The following is an entry in ClinVar:

ClinVar aggregate classification (germline): Benign/Likely benign. Review status: criteria provided, multiple submitters, no conflicts (2 of 4 stars). 14 submissions from 14 submitters: Benign (4); Likely benign (5). 5 of the submissions do not count toward it. Last evaluated 2026-09-01.

Conditions:
Multiple epiphyseal dysplasia, Al-Gazali type. Also called: Macrocephaly with multiple epiphyseal dysplasia and distinctive facies. Identifiers: Orphanet 166024, MedGen C1846722, MONDO:0011778, OMIM 607131.
Acrocallosal syndrome (ACLS). Also called: Schinzel syndrome 1; Absence of corpus callosum with unusual facial appearance, mental deficiency, duplication of the halluces and polydactyly; HALLUX DUPLICATION, POSTAXIAL POLYDACTYLY, AND ABSENCE OF CORPUS CALLOSUM. Identifiers: Orphanet 36, MedGen C0796147, MONDO:0008708, OMIM 200990.
Hydrolethalus syndrome 2 (HLS2). Identifiers: Orphanet 2189, MedGen C3279899, MONDO:0013585, OMIM 614120.

Allele frequency attached by ClinVar (database versions not stated): 1000 Genomes Project 30x 0.00094; 1000 Genomes Project 0.00100; TOPMed 0.00264; ESP Exome Variant Server 0.00362; gnomAD exomes 0.00431 and 0.00531; gnomAD 0.00511 and 0.00533; ExAC 0.00593.
gnomAD v4.1: 7,010 of 1,613,772 alleles (0.43%); highest among the groups gnomAD compares: Non-Finnish European, 0.47%; 52 homozygotes.

Submissions (14):

CeGaT Center for Human Genetics Tuebingen
Classification: Likely benign. Last evaluated: 2026-09-01. Review status: criteria provided, single submitter. Criteria: CeGaT Center For Human Genetics Tuebingen Variant Classification Criteria Version 2. Collection method: clinical testing. Allele origin: germline. Affected: yes. Observed: 75 variant alleles.
Comment: KIF7: BP4, BS2

Labcorp Genetics (formerly Invitae), Labcorp
Classification: Benign for Acrocallosal syndrome. Last evaluated: 2026-02-01. Review status: criteria provided, single submitter. Criteria: Invitae Variant Classification Sherloc (09022015). Collection method: clinical testing. Allele origin: germline.

Blueprint Genetics
Classification: Likely benign. Last evaluated: 2024-11-27. Review status: criteria provided, single submitter. Criteria: ACMG Guidelines, 2015. Collection method: clinical testing. Allele origin: germline.

Fulgent Genetics
Classification: Likely benign for Acrocallosal syndrome; Multiple epiphyseal dysplasia, Al-Gazali type; Hydrolethalus syndrome 2. Last evaluated: 2021-10-22. Review status: criteria provided, single submitter. Criteria: ACMG Guidelines, 2015. Collection method: clinical testing. Allele origin: unknown.

Illumina Laboratory Services, Illumina
Classification: Benign for Acrocallosal syndrome. Last evaluated: 2017-04-27. Review status: criteria provided, single submitter. Criteria: ICSL Variant Classification Criteria 13 December 2019. Collection method: clinical testing. Allele origin: germline.
Comment: This variant was observed as part of a predisposition screen in an ostensibly healthy population. A literature search was performed for the gene, cDNA change, and amino acid change (where applicable). No publications were found based on this search. Allele frequency data from public databases was too high to be consistent with this variant causing disease. Therefore, this variant is classified as benign.

GeneDx
Classification: Benign. Last evaluated: 2017-02-16. Review status: criteria provided, single submitter. Criteria: GeneDx Variant Classification (06012015). Collection method: clinical testing. Allele origin: germline. Affected: yes.
Comment: This variant is considered likely benign or benign based on one or more of the following criteria: it is a conservative change, it occurs at a poorly conserved position in the protein, it is predicted to be benign by multiple in silico algorithms, and/or has population frequency not consistent with disease.

Eurofins Ntd Llc (ga)
Classification: Benign. Last evaluated: 2015-08-04. Review status: criteria provided, single submitter. Criteria: EGL Classification Definitions 2015. Collection method: clinical testing. Allele origin: germline. Observed: 1 variant allele, 1 heterozygote.

Breakthrough Genomics
Classification: Likely benign. Review status: criteria provided, single submitter. Criteria: ACMG Guidelines, 2015. Collection method: not provided. Allele origin: germline. Inheritance: Autosomal recessive inheritance. Affected: yes.

PreventionGenetics, part of Exact Sciences
Classification: Likely benign. Review status: criteria provided, single submitter. Criteria: ACMG Guidelines, 2015. Collection method: clinical testing. Allele origin: germline.

Genetic Services Laboratory, University of Chicago
Classification: Benign. Last evaluated: 2022-08-23. Review status: no assertion criteria provided. Collection method: clinical testing. Allele origin: germline. Affected: no. Not counted in ClinVar's aggregate classification.

Clinical Genetics DNA and cytogenetics Diagnostics Lab, Erasmus MC, Erasmus Medical Center
Classification: Likely benign. Review status: no assertion criteria provided. Collection method: clinical testing. Allele origin: germline. Affected: yes. Study: VKGL Data-share Consensus. Not counted in ClinVar's aggregate classification.

Clinical Genetics, Academic Medical Center
Classification: Likely benign. Review status: no assertion criteria provided. Collection method: clinical testing. Allele origin: germline. Affected: yes. Study: VKGL Data-share Consensus. Not counted in ClinVar's aggregate classification.

Genome Diagnostics Laboratory, University Medical Center Utrecht
Classification: Benign. Review status: no assertion criteria provided. Collection method: clinical testing. Allele origin: germline. Affected: yes. Study: VKGL Data-share Consensus. Not counted in ClinVar's aggregate classification.

Laboratory of Diagnostic Genome Analysis, Leiden University Medical Center (LUMC)
Classification: Likely benign. Review status: no assertion criteria provided. Collection method: clinical testing. Allele origin: germline. Affected: yes. Study: VKGL Data-share Consensus. Not counted in ClinVar's aggregate classification.

NM_198525.3(KIF7):c.1885G>A (p.Glu629Lys)

Gene: KIF7 (kinesin family member 7; minus strand). Cytogenetic location: 15q26.1.
Variant type: single nucleotide variant.
Coding change: c.1885G>A on transcript NM_198525.3 (MANE Select); coding-DNA position 1885, G replaced by A.
Protein change: p.Glu629Lys; replaces glutamic acid 629 with lysine.
Molecular consequence: missense variant.
Genome position (GRCh38, 1-based): chr15:89,645,930, C>T on the plus strand (G>A on the coding strand, the complement: KIF7 is on the minus strand). VCF-style: chr15-89645930-C-T. GRCh37 (hg19) VCF-style: chr15-90189161-C-T.
Other names: short protein forms E629K.
Identifiers: ClinVar variation 263139 (VCV000263139.54), dbSNP rs149814240, ClinGen allele CA7728425.
Genomic context (GRCh38, chr15:89,645,930, plus strand): 5'-TGGGGGCAGTGGGTCCCACTCACCTGCGCAGGTGTAAGGTCCGCCTGGGCGGCTCCTCCT[C>T]CTCCTCTTCCTCCTCTGAAGCAGCTGAAGAGCCACTTCCCAGCCTGTTCACCTCAGTCAG-3'
Protein context (NP_940927.2, residues 619-639): SSAASEEEEE[Glu629Lys]EEPPRRTLHL